The following is an entry in ClinVar:

ClinVar aggregate classification (germline): Uncertain significance (1 of 4 stars; one submission).

Conditions:
Charcot-Marie-Tooth disease type 2. Also called: Charcot-Marie-Tooth type 2. Identifiers: Orphanet 64746, MedGen C0270914, MONDO:0018993.

Allele frequency attached by ClinVar (database versions not stated): gnomAD 0.00001.
gnomAD v4.1: 5 of 1,613,994 alleles (0.00031%); highest among the groups gnomAD compares: African/African-American, 0.0027%; no homozygotes.

Submission:

Labcorp Genetics (formerly Invitae), Labcorp
Classification: Uncertain significance for Charcot-Marie-Tooth disease type 2. Last evaluated: 2020-02-15. Review status: criteria provided, single submitter. Criteria: Invitae Variant Classification Sherloc (09022015). Collection method: clinical testing. Allele origin: germline.
Comment: This sequence change replaces proline with alanine at codon 363 of the GARS protein (p.Pro363Ala). The proline residue is moderately conserved and there is a small physicochemical difference between proline and alanine. This variant is not present in population databases (ExAC no frequency). This variant has not been reported in the literature in individuals with a GARS-related disease. Algorithms developed to predict the effect of missense changes on protein structure and function (SIFT, PolyPhen-2, Align-GVGD) all suggest that this variant is likely to be tolerated, but these predictions have not been confirmed by published functional studies and their clinical significance is uncertain. In summary, this variant has uncertain impact on GARS function. The available evidence is currently insufficient to determine its role in disease. Therefore, it has been classified as a Variant of Uncertain Significance.

NM_002047.4(GARS1):c.1087C>G (p.Pro363Ala)

Gene: GARS1 (glycyl-tRNA synthetase 1; plus strand). Cytogenetic location: 7p14.3.
Variant type: single nucleotide variant.
Coding change: c.1087C>G on transcript NM_002047.4 (MANE Select); coding-DNA position 1087, C replaced by G.
Protein change: p.Pro363Ala; replaces proline 363 with alanine.
Molecular consequence: missense variant.
Genome position (GRCh38, 1-based): chr7:30,615,951, C>G. VCF-style: chr7-30615951-C-G. GRCh37 (hg19) VCF-style: chr7-30655567-C-G.
Other names: c.1087C>G (LRG_243t1); c.925C>G, p.Pro309Ala (NM_001316772.1); short protein forms P363A, P309A.
Identifiers: ClinVar variation 476748 (VCV000476748.11), dbSNP rs267601479, ClinGen allele CA367126084.
Genomic context (GRCh38, chr7:30,615,951, plus strand): 5'-TTCAGAGAATTCACAATGGCAGAAATTGAGCACTTTGTAGATCCCAGTGAGAAAGACCAC[C>G]CCAAGTTCCAGAATGTGGCAGACCTTCACCTTTATTTGTATTCAGCAAAAGCCCAGGTCA-3'
Protein context (NP_002038.2, residues 353-373): HFVDPSEKDH[Pro363Ala]KFQNVADLHL